The following is an entry in ClinVar:

ClinVar aggregate classification (germline): Uncertain significance (1 of 4 stars; one submission).

Conditions:
Glycine encephalopathy. Also called: Nonketotic hyperglycinemia; Non-ketotic hyperglycinemia. Identifiers: Orphanet 407, MedGen C0751748, MONDO:0011612, HP:0008288.

Submission:

Labcorp Genetics (formerly Invitae), Labcorp
Classification: Uncertain significance for Glycine encephalopathy. Last evaluated: 2025-10-22. Review status: criteria provided, single submitter. Criteria: Invitae Variant Classification Sherloc (09022015). Collection method: clinical testing. Allele origin: germline.
Comment: This sequence change replaces glycine, which is neutral and non-polar, with arginine, which is basic and polar, at codon 309 of the GLDC protein (p.Gly309Arg). This variant is not present in population databases (gnomAD no frequency). This variant has not been reported in the literature in individuals affected with GLDC-related conditions. ClinVar contains an entry for this variant (Variation ID: 2097141). Invitae Evidence Modeling of protein sequence and biophysical properties (such as structural, functional, and spatial information, amino acid conservation, physicochemical variation, residue mobility, and thermodynamic stability) indicates that this missense variant is expected to disrupt GLDC protein function with a positive predictive value of 95%. Algorithms developed to predict the effect of sequence changes on RNA splicing suggest that this variant may disrupt the consensus splice site. In summary, the available evidence is currently insufficient to determine the role of this variant in disease. Therefore, it has been classified as a Variant of Uncertain Significance.

NM_000170.3(GLDC):c.925G>A (p.Gly309Arg)

Gene: GLDC (glycine decarboxylase; minus strand). Cytogenetic location: 9p24.1.
Variant type: single nucleotide variant.
Coding change: c.925G>A on transcript NM_000170.3 (MANE Select); coding-DNA position 925, G replaced by A.
Protein change: p.Gly309Arg; replaces glycine 309 with arginine.
Molecular consequence: missense variant.
Genome position (GRCh38, 1-based): chr9:6,604,721, C>T on the plus strand (G>A on the coding strand, the complement: GLDC is on the minus strand). VCF-style: chr9-6604721-C-T. GRCh37 (hg19) VCF-style: chr9-6604721-C-T.
Other names: short protein forms G309R.
Identifiers: ClinVar variation 2097141 (VCV002097141.4), dbSNP rs2489103167, ClinGen allele CA372895819.